The following is an entry in ClinVar:

NM_001164508.2(NEB):c.6613C>T (p.Arg2205Cys)

Gene: NEB (nebulin; minus strand). Cytogenetic location: 2q23.3.
Variant type: single nucleotide variant.
Coding change: c.6613C>T on transcript NM_001164508.2 (MANE Select); coding-DNA position 6613, C replaced by T.
Protein change: p.Arg2205Cys; replaces arginine 2205 with cysteine.
Molecular consequence: missense variant.
Genome position (GRCh38, 1-based): chr2:151,655,906, G>A on the plus strand (C>T on the coding strand, the complement: NEB is on the minus strand). VCF-style: chr2-151655906-G-A. GRCh37 (hg19) VCF-style: chr2-152512420-G-A.
Other names: c.6613C>T, p.Arg2205Cys (NM_001164507.2, NM_001271208.2, NM_004543.5); c.6613C>T (NM_001271208.1); short protein forms R2205C.
Identifiers: ClinVar variation 1206162 (VCV001206162.8), dbSNP rs577410545, ClinGen allele CA1910064.
Genomic context (GRCh38, chr2:151,655,906, plus strand): 5'-CAAGCACCATGTCCATGGAATCAGTCAGCTTCTTAAACTGGAAGTTGCTCGGGTGCTGGC[G>A]GTATTTCTGATCACTGGCATATTCAGTTGCTTTCTTGGCCTTCTCCACTTCCAGAGAACC-3'
Protein context (NP_001157980.2, residues 2195-2215): ATEYASDQKY[Arg2205Cys]QHPSNFQFKK

ClinVar aggregate classification (germline): Conflicting classifications of pathogenicity. Review status: criteria provided, conflicting classifications (1 of 4 stars). 4 submissions from 4 submitters: Uncertain significance (1); Benign (1). 2 of the submissions do not count toward it. Last evaluated 2026-01-08.

Conditions:
Nemaline myopathy 2 (NEM2). Also called: Nemaline myopathy 2, autosomal recessive. Identifiers: MedGen C1850569, MONDO:0009725, OMIM 256030.

Allele frequency attached by ClinVar (database versions not stated): TOPMed 0.00002; gnomAD exomes 0.00010 and 0.00007; ExAC 0.00015; 1000 Genomes Project 0.00020; gnomAD 0.00003 and 0.00005; 1000 Genomes Project 30x 0.00016.
gnomAD v4.1: 99 of 1,613,682 alleles (0.0061%); highest among the groups gnomAD compares: South Asian, 0.077%; 1 homozygote.

Submissions (4):

Labcorp Genetics (formerly Invitae), Labcorp
Classification: Benign for Nemaline myopathy 2. Last evaluated: 2026-01-08. Review status: criteria provided, single submitter. Criteria: Invitae Variant Classification Sherloc (09022015). Collection method: clinical testing. Allele origin: germline.

GeneDx
Classification: Uncertain significance. Last evaluated: 2024-05-20. Review status: criteria provided, single submitter. Criteria: GeneDx Variant Classification Process June 2021. Collection method: clinical testing. Allele origin: germline. Affected: yes.
Comment: In silico analysis supports that this missense variant has a deleterious effect on protein structure/function; Observed in three heterozygous individuals and one homozygous individuals from a large Biobank cohort, however clinical information was not provided (PMID: 36777185); This variant is associated with the following publications: (PMID: 36777185)

Clinical Genetics DNA and cytogenetics Diagnostics Lab, Erasmus MC, Erasmus Medical Center
Classification: Uncertain significance. Review status: no assertion criteria provided. Collection method: clinical testing. Allele origin: germline. Affected: yes. Study: VKGL Data-share Consensus. Not counted in ClinVar's aggregate classification.

Laboratory of Diagnostic Genome Analysis, Leiden University Medical Center (LUMC)
Classification: Uncertain significance. Review status: no assertion criteria provided. Collection method: clinical testing. Allele origin: germline. Affected: yes. Study: VKGL Data-share Consensus. Not counted in ClinVar's aggregate classification.